The following is an entry in ClinVar:

NM_000507.4(FBP1):c.763C>T (p.Arg255Cys)

Gene: FBP1 (fructose-bisphosphatase 1; minus strand). Cytogenetic location: 9q22.32.
Variant type: single nucleotide variant.
Coding change: c.763C>T on transcript NM_000507.4 (MANE Select); coding-DNA position 763, C replaced by T.
Protein change: p.Arg255Cys; replaces arginine 255 with cysteine.
Molecular consequence: missense variant.
Genome position (GRCh38, 1-based): chr9:94,605,519, G>A on the plus strand (C>T on the coding strand, the complement: FBP1 is on the minus strand). VCF-style: chr9-94605519-G-A. GRCh37 (hg19) VCF-style: chr9-97367801-G-A.
Other names: c.763C>T, p.Arg255Cys (NM_001127628.2); short protein forms R255C.
Identifiers: ClinVar variation 1524187 (VCV001524187.3), dbSNP rs944699141, ClinGen allele CA374106438.

ClinVar aggregate classification (germline): Uncertain significance (1 of 4 stars; one submission).

Conditions:
Fructose-biphosphatase deficiency (FBP1D). Also called: Fructose 1,6 Bisphosphatase Deficiency; Fructose-1,6-Diphosphatase Deficiency; Fructose-1,6-Bisphosphatase 1 Deficiency. Identifiers: Orphanet 348, MedGen C0016756, MONDO:0009251, OMIM 229700.

gnomAD v4.1: 18 of 1,613,602 alleles (0.0011%); highest among the groups gnomAD compares: South Asian, 0.0022%; no homozygotes.

Submission:

Labcorp Genetics (formerly Invitae), Labcorp
Classification: Uncertain significance for Fructose-biphosphatase deficiency. Last evaluated: 2021-08-03. Review status: criteria provided, single submitter. Criteria: Invitae Variant Classification Sherloc (09022015). Collection method: clinical testing. Allele origin: germline.
Comment: This sequence change replaces arginine with cysteine at codon 255 of the FBP1 protein (p.Arg255Cys). The arginine residue is highly conserved and there is a large physicochemical difference between arginine and cysteine. This variant is not present in population databases (ExAC no frequency). This variant has not been reported in the literature in individuals affected with FBP1-related conditions. Advanced modeling of protein sequence and biophysical properties (such as structural, functional, and spatial information, amino acid conservation, physicochemical variation, residue mobility, and thermodynamic stability) performed at Invitae indicates that this missense variant is expected to disrupt FBP1 protein function. In summary, the available evidence is currently insufficient to determine the role of this variant in disease. Therefore, it has been classified as a Variant of Uncertain Significance.